The following is an entry in ClinVar:

ClinVar aggregate classification (germline): Likely pathogenic (0 of 4 stars; one submission).

Conditions:
Bethlem myopathy 2 (BTHLM2). Identifiers: Orphanet 536516, Orphanet 610, MedGen C4225313, MONDO:0034022, OMIM 616471.

Submission:

Solve-RD Consortium
Classification: Likely pathogenic for Bethlem myopathy 2. Last evaluated: 2022-06-01. Review status: no assertion criteria provided. Collection method: provider interpretation. Allele origin: inherited. Affected: yes.
Comment: Variant confirmed as disease-causing by referring clinical team

Variant identified during reanalysis of unsolved cases by the Solve-RD project. The Solve-RD project has received funding from the European Union’s Horizon 2020 research and innovation programme under grant agreement No 779257.

Literature cited by the submitters: PubMed 39825153.

NM_004370.6(COL12A1):c.8415+1G>A

Gene: COL12A1 (collagen type XII alpha 1 chain; minus strand). Cytogenetic location: 6q13.
Variant type: single nucleotide variant.
Coding change: c.8415+1G>A on transcript NM_004370.6 (MANE Select); the canonical splice donor site of the intron after coding-DNA position 8415, G replaced by A.
Molecular consequence: splice donor variant.
Genome position (GRCh38, 1-based): chr6:75,102,596, C>T on the plus strand (G>A on the coding strand, the complement: COL12A1 is on the minus strand). VCF-style: chr6-75102596-C-T. GRCh37 (hg19) VCF-style: chr6-75812312-C-T.
Other names: c.4923+1G>A (NM_001424116.1, NM_080645.3); c.8142+1G>A (NM_001424115.1); c.8394+1G>A (NM_001424114.1); c.8415+1G>A (NM_001424113.1).
Identifiers: ClinVar variation 3256738 (VCV003256738.1).